The following is an entry in ClinVar:

ClinVar aggregate classification (germline): Uncertain significance (1 of 4 stars; one submission).

Allele frequency attached by ClinVar (database versions not stated): gnomAD exomes 0.00001.
gnomAD v4.1: 5 of 1,612,310 alleles (0.00031%); highest among the groups gnomAD compares: Admixed American, 0.0084%; no homozygotes.

Submission:

Labcorp Genetics (formerly Invitae), Labcorp
Classification: Uncertain significance. Last evaluated: 2022-08-05. Review status: criteria provided, single submitter. Criteria: Invitae Variant Classification Sherloc (09022015). Collection method: clinical testing. Allele origin: germline.
Comment: This variant has not been reported in the literature in individuals affected with TBCK-related conditions. This sequence change replaces alanine, which is neutral and non-polar, with valine, which is neutral and non-polar, at codon 534 of the TBCK protein (p.Ala534Val). This variant is present in population databases (no rsID available, gnomAD 0.01%). Algorithms developed to predict the effect of missense changes on protein structure and function are either unavailable or do not agree on the potential impact of this missense change (SIFT: "Deleterious"; PolyPhen-2: "Probably Damaging"; Align-GVGD: "Class C0"). In summary, the available evidence is currently insufficient to determine the role of this variant in disease. Therefore, it has been classified as a Variant of Uncertain Significance.

NM_001163435.3(TBCK):c.1601C>T (p.Ala534Val)

Gene: TBCK (TBC1 domain containing kinase; minus strand). Cytogenetic location: 4q24.
Variant type: single nucleotide variant.
Coding change: c.1601C>T on transcript NM_001163435.3 (MANE Select); coding-DNA position 1601, C replaced by T.
Protein change: p.Ala534Val; replaces alanine 534 with valine.
Molecular consequence: missense variant.
Genome position (GRCh38, 1-based): chr4:106,232,976, G>A on the plus strand (C>T on the coding strand, the complement: TBCK is on the minus strand). VCF-style: chr4-106232976-G-A. GRCh37 (hg19) VCF-style: chr4-107154133-G-A.
Other names: c.1601C>T, p.Ala534Val (NM_001163436.4); c.1484C>T, p.Ala495Val (NM_001163437.3); c.1085C>T, p.Ala362Val (NM_001290768.2); c.1412C>T, p.Ala471Val (NM_033115.5); short protein forms A362V, A495V, A471V, A534V.
Identifiers: ClinVar variation 1922804 (VCV001922804.4), dbSNP rs1269504762, ClinGen allele CA357822380.